The following is an entry in ClinVar:

ClinVar aggregate classification (germline): Uncertain significance (1 of 4 stars; one submission).

gnomAD v4.1: 1 of 1,614,104 alleles (0.000062%); highest among the groups gnomAD compares: Middle Eastern, 0.016%; no homozygotes.

Submission:

Labcorp Genetics (formerly Invitae), Labcorp
Classification: Uncertain significance. Last evaluated: 2025-11-03. Review status: criteria provided, single submitter. Criteria: Invitae Variant Classification Sherloc (09022015). Collection method: clinical testing. Allele origin: germline.
Comment: This sequence change replaces serine, which is neutral and polar, with asparagine, which is neutral and polar, at codon 226 of the ACVR1 protein (p.Ser226Asn). This variant is present in population databases (no rsID available, gnomAD no frequency). This variant has not been reported in the literature in individuals affected with ACVR1-related conditions. ClinVar contains an entry for this variant (Variation ID: 3685207). An algorithm developed to predict the effect of missense changes on protein structure and function (PolyPhen-2) suggests that this variant is likely to be tolerated. In summary, the available evidence is currently insufficient to determine the role of this variant in disease. Therefore, it has been classified as a Variant of Uncertain Significance.

NM_001111067.4(ACVR1):c.677G>A (p.Ser226Asn)

Gene: ACVR1 (activin A receptor type 1; minus strand). Cytogenetic location: 2q24.1.
Variant type: single nucleotide variant.
Coding change: c.677G>A on transcript NM_001111067.4 (MANE Select); coding-DNA position 677, G replaced by A.
Protein change: p.Ser226Asn; replaces serine 226 with asparagine.
Molecular consequence: missense variant.
Genome position (GRCh38, 1-based): chr2:157,770,481, C>T on the plus strand (G>A on the coding strand, the complement: ACVR1 is on the minus strand). VCF-style: chr2-157770481-C-T. GRCh37 (hg19) VCF-style: chr2-158626993-C-T.
Other names: c.677G>A, p.Ser226Asn (NM_001105.5, NM_001347663.1, NM_001347664.1 and 3 more transcripts); short protein forms S226N.
Identifiers: ClinVar variation 3685207 (VCV003685207.2).